The following is an entry in ClinVar:

ClinVar aggregate classification (germline): Uncertain significance (1 of 4 stars; one submission).

Conditions:
Tuberous sclerosis 1 (TSC1). Identifiers: Orphanet 805, MedGen C1854465, MONDO:0008612, OMIM 191100.

Submission:

Labcorp Genetics (formerly Invitae), Labcorp
Classification: Uncertain significance for Tuberous sclerosis 1. Last evaluated: 2025-06-22. Review status: criteria provided, single submitter. Criteria: Invitae Variant Classification Sherloc (09022015). Collection method: clinical testing. Allele origin: germline.
Comment: This sequence change replaces leucine, which is neutral and non-polar, with valine, which is neutral and non-polar, at codon 652 of the TSC1 protein (p.Leu652Val). This variant is not present in population databases (gnomAD no frequency). This variant has not been reported in the literature in individuals affected with TSC1-related conditions. Invitae Evidence Modeling of protein sequence and biophysical properties (such as structural, functional, and spatial information, amino acid conservation, physicochemical variation, residue mobility, and thermodynamic stability) indicates that this missense variant is not expected to disrupt TSC1 protein function with a negative predictive value of 95%. In summary, the available evidence is currently insufficient to determine the role of this variant in disease. Therefore, it has been classified as a Variant of Uncertain Significance.

NM_000368.5(TSC1):c.1954C>G (p.Leu652Val)

Gene: TSC1 (TSC complex subunit 1; minus strand). Cytogenetic location: 9q34.13.
Variant type: single nucleotide variant.
Coding change: c.1954C>G on transcript NM_000368.5 (MANE Select); coding-DNA position 1954, C replaced by G.
Protein change: p.Leu652Val; replaces leucine 652 with valine.
Molecular consequence: missense variant. On other transcripts: non-coding transcript variant (5).
Genome position (GRCh38, 1-based): chr9:132,905,624, G>C on the plus strand (C>G on the coding strand, the complement: TSC1 is on the minus strand). VCF-style: chr9-132905624-G-C. GRCh37 (hg19) VCF-style: chr9-135781011-G-C.
Other names: c.1798C>G, p.Leu600Val (NM_001406612.1, NM_001406613.1, NM_001406611.1); c.1591C>G, p.Leu531Val (NM_001406614.1, NM_001406615.1, NM_001406616.1 and 5 more transcripts); c.1954C>G, p.Leu652Val (NM_001406606.1, NM_001406607.1, NM_001406601.1 and 7 more transcripts); c.1951C>G, p.Leu651Val (NM_001406608.1, NM_001406609.1, NM_001406597.1 and 6 more transcripts); c.1801C>G, p.Leu601Val (NM_001406610.1, NM_001162427.2); c.1588C>G, p.Leu530Val (NM_001406620.1, NM_001406621.1, NM_001406622.1 and 2 more transcripts); c.1003C>G, p.Leu335Val (NM_001406626.1); c.1000C>G, p.Leu334Val (NM_001406627.1, NM_001406628.1); and 1 more; short protein forms L531V, L600V, L334V, L530V, L601V, L301V, L335V, L651V.
Identifiers: ClinVar variation 4709629 (VCV004709629.1).